The following is an entry in ClinVar:

NM_176787.5(PIGN):c.1962G>A (p.Leu654=)

Gene: PIGN (phosphatidylinositol glycan anchor biosynthesis class N; minus strand). Cytogenetic location: 18q21.33.
Variant type: single nucleotide variant.
Coding change: c.1962G>A on transcript NM_176787.5 (MANE Select); coding-DNA position 1962, G replaced by A.
Protein change: p.Leu654=; no amino-acid change (leucine 654 retained).
Molecular consequence: synonymous variant.
Genome position (GRCh38, 1-based): chr18:62,102,800, C>T on the plus strand (G>A on the coding strand, the complement: PIGN is on the minus strand). VCF-style: chr18-62102800-C-T. GRCh37 (hg19) VCF-style: chr18-59770033-C-T.
Other names: p.Leu654=; c.1962G>A, p.Leu654= (NM_012327.6).
Identifiers: ClinVar variation 403301 (VCV000403301.23), dbSNP rs12326381, ClinGen allele CA8982134.

ClinVar aggregate classification (germline): Benign. Review status: criteria provided, multiple submitters, no conflicts (2 of 4 stars). 7 submissions from 7 submitters: Benign (7). Last evaluated 2026-02-04.

Conditions:
Inborn genetic diseases. Identifiers: MedGen C0950123, MeSH D030342.
Multiple congenital anomalies-hypotonia-seizures syndrome 1 (MCAHS1). Also called: PIGN-CDG; Congenital disorder of glycosylation due to PIGN deficiency; GLYCOSYLPHOSPHATIDYLINOSITOL BIOSYNTHESIS DEFECT 3. Identifiers: Orphanet 280633, MedGen C3279775, MONDO:0013563, OMIM 614080.

Allele frequency attached by ClinVar (database versions not stated): 1000 Genomes Project 30x 0.09354; 1000 Genomes Project 0.09545; TOPMed 0.15894; gnomAD exomes 0.16601 and 0.21777; gnomAD 0.16993 and 0.17264; ESP Exome Variant Server 0.18622; ExAC 0.23382.
gnomAD v4.1: 309,224 of 1,456,732 alleles (21%); highest among the groups gnomAD compares: Non-Finnish European, 24%; 36,512 homozygotes.

Submissions (7):

Labcorp Genetics (formerly Invitae), Labcorp
Classification: Benign for Multiple congenital anomalies-hypotonia-seizures syndrome 1. Last evaluated: 2026-02-04. Review status: criteria provided, single submitter. Criteria: Invitae Variant Classification Sherloc (09022015). Collection method: clinical testing. Allele origin: germline.

Blueprint Genetics
Classification: Benign. Last evaluated: 2024-11-28. Review status: criteria provided, single submitter. Criteria: ACMG Guidelines, 2015. Collection method: clinical testing. Allele origin: germline.

Mayo Clinic Laboratories, Mayo Clinic
Classification: Benign. Last evaluated: 2021-11-29. Review status: criteria provided, single submitter. Criteria: ACMG Guidelines, 2015. Collection method: clinical testing. Allele origin: germline. Observed: 99 variant alleles.

GeneDx
Classification: Benign. Last evaluated: 2018-07-05. Review status: criteria provided, single submitter. Criteria: GeneDx Variant Classification Process June 2021. Collection method: clinical testing. Allele origin: germline. Affected: yes.

Laboratory for Molecular Medicine, Mass General Brigham Personalized Medicine
Classification: Benign. Last evaluated: 2016-03-29. Review status: criteria provided, single submitter. Criteria: LMM Criteria. Collection method: clinical testing. Allele origin: germline.
Comment: Variant identified in a genome or exome case(s) and assessed due to predicted null impact of the variant or pathogenic assertions in the literature or databases. Disclaimer: This variant has not undergone full assessment. The following are preliminary notes: Frequency

Ambry Genetics
Classification: Benign for Inborn genetic diseases. Last evaluated: 2016-03-19. Review status: criteria provided, single submitter. Criteria: Ambry Variant Classification Scheme 2023. Collection method: clinical testing. Allele origin: germline.

Breakthrough Genomics
Classification: Benign. Review status: criteria provided, single submitter. Criteria: ACMG Guidelines, 2015. Collection method: not provided. Allele origin: germline. Inheritance: Autosomal recessive inheritance. Affected: yes.